The following is an entry in ClinVar:

NM_002335.4(LRP5):c.2416G>A (p.Ala806Thr)

Gene: LRP5 (LDL receptor related protein 5; plus strand). Cytogenetic location: 11q13.2.
Variant type: single nucleotide variant.
Coding change: c.2416G>A on transcript NM_002335.4 (MANE Select); coding-DNA position 2416, G replaced by A.
Protein change: p.Ala806Thr; replaces alanine 806 with threonine.
Molecular consequence: missense variant.
Genome position (GRCh38, 1-based): chr11:68,411,533, G>A. VCF-style: chr11-68411533-G-A. GRCh37 (hg19) VCF-style: chr11-68179001-G-A.
Other names: c.673G>A, p.Ala225Thr (NM_001291902.2); short protein forms A806T, A225T.
Identifiers: ClinVar variation 1959432 (VCV001959432.5), dbSNP rs1437877275, ClinGen allele CA381617146.

ClinVar aggregate classification (germline): Uncertain significance (1 of 4 stars; one submission).

Submission:

Labcorp Genetics (formerly Invitae), Labcorp
Classification: Uncertain significance. Last evaluated: 2022-04-03. Review status: criteria provided, single submitter. Criteria: Invitae Variant Classification Sherloc (09022015). Collection method: clinical testing. Allele origin: germline.
Comment: This variant has not been reported in the literature in individuals affected with LRP5-related conditions. This variant is not present in population databases (gnomAD no frequency). This sequence change replaces alanine, which is neutral and non-polar, with threonine, which is neutral and polar, at codon 806 of the LRP5 protein (p.Ala806Thr). Advanced modeling of protein sequence and biophysical properties (such as structural, functional, and spatial information, amino acid conservation, physicochemical variation, residue mobility, and thermodynamic stability) performed at Invitae indicates that this missense variant is expected to disrupt LRP5 protein function. In summary, the available evidence is currently insufficient to determine the role of this variant in disease. Therefore, it has been classified as a Variant of Uncertain Significance.